The following is an entry in ClinVar:

NM_020070.4(IGLL1):c.288T>G (p.His96Gln)

Gene: IGLL1 (immunoglobulin lambda like polypeptide 1; minus strand). Cytogenetic location: 22q11.23.
Variant type: single nucleotide variant.
Coding change: c.288T>G on transcript NM_020070.4 (MANE Select); coding-DNA position 288, T replaced by G.
Protein change: p.His96Gln; replaces histidine 96 with glutamine.
Molecular consequence: missense variant. On other transcripts: intron variant (1).
Genome position (GRCh38, 1-based): chr22:23,575,001, A>C on the plus strand (T>G on the coding strand, the complement: IGLL1 is on the minus strand). VCF-style: chr22-23575001-A-C. GRCh37 (hg19) VCF-style: chr22-23917188-A-C.
Other names: c.291T>G, p.His97Gln (NM_001369906.1); c.207-1416T>G (NM_152855.3); short protein forms H97Q, H96Q.
Identifiers: ClinVar variation 1348438 (VCV001348438.8), dbSNP rs766149395, ClinGen allele CA10143350.

ClinVar aggregate classification (germline): Uncertain significance (1 of 4 stars; one submission).

Conditions:
Agammaglobulinemia 2, autosomal recessive (AGM2). Also called: AGAMMAGLOBULINEMIA, AUTOSOMAL RECESSIVE, DUE TO IGLL1 DEFECT. Identifiers: MedGen C3150750, MONDO:0013287, OMIM 613500.

Allele frequency attached by ClinVar (database versions not stated): TOPMed 0.00001; gnomAD exomes 0.00003; ExAC 0.00007.
gnomAD v4.1: 35 of 1,613,874 alleles (0.0022%); highest among the groups gnomAD compares: Non-Finnish European, 0.0028%; no homozygotes.

Submission:

Labcorp Genetics (formerly Invitae), Labcorp
Classification: Uncertain significance for Agammaglobulinemia 2, autosomal recessive. Last evaluated: 2025-09-15. Review status: criteria provided, single submitter. Criteria: Invitae Variant Classification Sherloc (09022015). Collection method: clinical testing. Allele origin: germline.
Comment: This sequence change replaces histidine, which is basic and polar, with glutamine, which is neutral and polar, at codon 96 of the IGLL1 protein (p.His96Gln). This variant is present in population databases (rs766149395, gnomAD 0.009%). This variant has not been reported in the literature in individuals affected with IGLL1-related conditions. ClinVar contains an entry for this variant (Variation ID: 1348438). An algorithm developed to predict the effect of missense changes on protein structure and function (PolyPhen-2) suggests that this variant is likely to be tolerated. In summary, the available evidence is currently insufficient to determine the role of this variant in disease. Therefore, it has been classified as a Variant of Uncertain Significance.